The following is an entry in ClinVar:

NM_003331.5(TYK2):c.3313C>T (p.Pro1105Ser)

Gene: TYK2 (tyrosine kinase 2; minus strand). Cytogenetic location: 19p13.2.
Variant type: single nucleotide variant.
Coding change: c.3313C>T on transcript NM_003331.5 (MANE Select); coding-DNA position 3313, C replaced by T.
Protein change: p.Pro1105Ser; replaces proline 1105 with serine.
Molecular consequence: missense variant. On other transcripts: intron variant (1).
Genome position (GRCh38, 1-based): chr19:10,352,439, G>A on the plus strand (C>T on the coding strand, the complement: TYK2 is on the minus strand). VCF-style: chr19-10352439-G-A. GRCh37 (hg19) VCF-style: chr19-10463115-G-A.
Other names: c.3229C>T, p.Pro1077Ser (NM_001385202.1); c.3394C>T, p.Pro1132Ser (NM_001385203.1); c.3523C>T, p.Pro1175Ser (NM_001385204.1); c.3223C>T, p.Pro1075Ser (NM_001385205.1); c.3187C>T, p.Pro1063Ser (NM_001385206.1); c.3295C>T, p.Pro1099Ser (NM_001385207.1); c.3313C>T, p.Pro1105Ser (NM_001406461.1, NM_001385197.1); c.3168+519C>T (NM_001385198.1); and 3 more; short protein forms P1039S, P1043S, P1063S, P1075S, P1077S, P1099S, P1104S, P1105S.
Identifiers: ClinVar variation 4529541 (VCV004529541.1).

ClinVar aggregate classification (germline): Uncertain significance (1 of 4 stars; one submission).

Submission:

GeneDx
Classification: Uncertain significance. Last evaluated: 2025-05-13. Review status: criteria provided, single submitter. Criteria: GeneDx Variant Classification Process June 2021. Collection method: clinical testing. Allele origin: germline. Affected: yes.
Comment: Not observed at significant frequency in large population cohorts (gnomAD); In silico analysis supports that this missense variant has a deleterious effect on protein structure/function; Has not been previously published as pathogenic or benign to our knowledge